The following is an entry in ClinVar:

ClinVar aggregate classification (germline): Conflicting classifications of pathogenicity. Review status: criteria provided, conflicting classifications (1 of 4 stars). 5 submissions from 5 submitters: Uncertain significance (1); Benign (2); Likely benign (2). Last evaluated 2026-04-01.

Conditions:
Retinitis pigmentosa 80 (RP80). Identifiers: MedGen C4540439, MONDO:0054708, OMIM 617781.
Saldino-Mainzer syndrome (SRTD9). Also called: SHORT-RIB THORACIC DYSPLASIA 9 WITHOUT POLYDACTYLY; short-rib thoracic dysplasia 9 with or without polydactyly; CONORENAL SYNDROME; Renal dysplasia, retinal pigmentary dystrophy, cerebellar ataxia and skeletal dysplasia. Identifiers: Orphanet 140969, MedGen C1849437, MONDO:0009964, OMIM 266920.

Submissions (5):

Department of Genetics, Sultan Qaboos University Hospital
Classification: Benign for Saldino-Mainzer syndrome. Last evaluated: 2026-04-01. Review status: criteria provided, single submitter. Criteria: ACMG Guidelines, 2015. Collection method: clinical testing. Allele origin: germline. Affected: yes. Observed: 1 variant allele.
Comment: BA1

Labcorp Genetics (formerly Invitae), Labcorp
Classification: Likely benign for Saldino-Mainzer syndrome. Last evaluated: 2026-02-01. Review status: criteria provided, single submitter. Criteria: Invitae Variant Classification Sherloc (09022015). Collection method: clinical testing. Allele origin: germline.

Institute of Human Genetics, University of Leipzig Medical Center
Classification: Uncertain significance for Retinitis pigmentosa 80. Last evaluated: 2021-11-04. Review status: criteria provided, single submitter. Criteria: ACMG Guidelines, 2015. Collection method: clinical testing. Allele origin: unknown. Affected: yes.
Comment: This variant was identified as compound heterozygous with NM_014714.4:c.4354G>A._x000D_ Criteria applied: PS4_SUP, PM2_SUP, PP3

Blueprint Genetics
Classification: Likely benign. Last evaluated: 2018-10-15. Review status: criteria provided, single submitter. Criteria: ACMG Guidelines, 2015. Collection method: clinical testing. Allele origin: germline.

Eurofins Ntd Llc (ga)
Classification: Benign. Last evaluated: 2016-05-16. Review status: criteria provided, single submitter. Criteria: EGL Classification Definitions 2015. Collection method: clinical testing. Allele origin: germline. Observed: 4 variant alleles, 4 heterozygotes.

NM_014714.4(IFT140):c.1541_1542delinsAA (p.Leu514Gln)

Gene: IFT140 (intraflagellar transport 140; minus strand). Cytogenetic location: 16p13.3.
Variant type: Indel.
Coding change: c.1541_1542delinsAA on transcript NM_014714.4 (MANE Select); coding-DNA positions 1541 to 1542, TC replaced by AA.
Protein change: p.Leu514Gln; replaces leucine 514 with glutamine.
Molecular consequence: missense variant.
Genome position (GRCh38, 1-based): chr16:1,571,517-1,571,518, GA replaced by TT on the plus strand (TC replaced by AA on the coding strand, the reverse complement: IFT140 is on the minus strand). VCF-style: chr16-1571517-GA-TT. GRCh37 (hg19) VCF-style: chr16-1621518-GA-TT.
Other names: short protein forms L514Q.
Identifiers: ClinVar variation 288071 (VCV000288071.18), dbSNP rs886043802, ClinGen allele CA10605961.